The following is an entry in ClinVar:

ClinVar aggregate classification (germline): Uncertain significance (1 of 4 stars; one submission).

Submission:

GeneDx
Classification: Uncertain significance. Last evaluated: 2025-08-02. Review status: criteria provided, single submitter. Criteria: GeneDx Variant Classification Process June 2021. Collection method: clinical testing. Allele origin: germline. Affected: yes.
Comment: Not observed at significant frequency in large population cohorts (gnomAD); In silico analysis supports that this missense variant has a deleterious effect on protein structure/function; Has not been previously published as pathogenic or benign to our knowledge

NM_001282116.2(RFX3):c.955C>T (p.His319Tyr)

Gene: RFX3 (regulatory factor X3; minus strand). Cytogenetic location: 9p24.2.
Variant type: single nucleotide variant.
Coding change: c.955C>T on transcript NM_001282116.2 (MANE Select); coding-DNA position 955, C replaced by T.
Protein change: p.His319Tyr; replaces histidine 319 with tyrosine.
Molecular consequence: missense variant.
Genome position (GRCh38, 1-based): chr9:3,277,358, G>A on the plus strand (C>T on the coding strand, the complement: RFX3 is on the minus strand). VCF-style: chr9-3277358-G-A. GRCh37 (hg19) VCF-style: chr9-3277358-G-A.
Other names: c.955C>T, p.His319Tyr (NM_001282117.2, NM_001377999.1, NM_002919.4 and 1 more transcripts); short protein forms H319Y.
Identifiers: ClinVar variation 4690043 (VCV004690043.1).